The following is an entry in ClinVar:

NM_000051.4(ATM):c.8786+8A>G

Genes: C11orf65 (chromosome 11 open reading frame 65; minus strand), ATM (ATM serine/threonine kinase; plus strand). Cytogenetic location: 11q22.3.
Variant type: single nucleotide variant.
Coding change: c.8786+8A>G on transcript NM_000051.4 (MANE Select); 8 bases into the intron after coding-DNA position 8786, A replaced by G.
Molecular consequence: intron variant.
Genome position (GRCh38, 1-based): chr11:108,353,888, A>G. VCF-style: chr11-108353888-A-G. GRCh37 (hg19) VCF-style: chr11-108224615-A-G.
Other names: c.8786+8A>G (NM_001351834.2); c.640+32032T>C (NM_001330368.2); c.695-18596T>C (NM_001351110.2).
Identifiers: ClinVar variation 453747 (VCV000453747.13), dbSNP rs4986839, ClinGen allele CA658656272.
Genomic context (GRCh38, chr11:108,353,888, plus strand): 5'-AGAGATATTGTGGATGGCATGGGCATTACGGGTGTTGAAGGTGTCTTCAGAAGGTAAGTG[A>G]TATGAAGTAAAGGAGGGAAATAATTTTTGATGTCAAAATTACATGGGCTGGGCATGGTTC-3'

ClinVar aggregate classification (germline): Likely benign. Review status: criteria provided, multiple submitters, no conflicts (2 of 4 stars). 2 submissions from 2 submitters: Likely benign (2). Last evaluated 2025-08-17.

Conditions:
Familial cancer of breast. Also called: Hereditary breast cancer; BREAST CANCER, FAMILIAL; hereditary breast carcinoma. Identifiers: Orphanet 227535, MedGen C0346153, MONDO:0016419, OMIM 114480. Disease mechanism: loss of function.
Ataxia-telangiectasia syndrome (AT). Also called: LOUIS-BAR SYNDROME; Cerebello-oculocutaneous telangiectasia; Immunodeficiency with ataxia telangiectasia; Ataxia-telangiectasia, complementation group D; AT, COMPLEMENTATION GROUP C; Ataxia-telangiectasia, complementation group E. Identifiers: Orphanet 100, MedGen C0004135, MONDO:0008840, OMIM 208900.

Submissions (2):

Labcorp Genetics (formerly Invitae), Labcorp
Classification: Likely benign for Ataxia-telangiectasia syndrome. Last evaluated: 2025-08-17. Review status: criteria provided, single submitter. Criteria: Invitae Variant Classification Sherloc (09022015). Collection method: clinical testing. Allele origin: germline.

Myriad Genetics, Inc.
Classification: Likely benign for Familial cancer of breast. Last evaluated: 2024-06-20. Review status: criteria provided, single submitter. Criteria: Myriad Autosomal Dominant, Autosomal Recessive and X-Linked Classification Criteria (2023). Collection method: clinical testing. Allele origin: unknown.
Comment: This variant is considered likely benign. This variant is intronic and is not expected to impact mRNA splicing.